The following is an entry in ClinVar:

NM_000038.6(APC):c.4616C>T (p.Ser1539Leu)

Gene: APC (APC regulator of Wnt signaling pathway; plus strand). Cytogenetic location: 5q22.2.
Variant type: single nucleotide variant.
Coding change: c.4616C>T on transcript NM_000038.6 (MANE Select); coding-DNA position 4616, C replaced by T.
Protein change: p.Ser1539Leu; replaces serine 1539 with leucine.
Molecular consequence: missense variant. On other transcripts: non-coding transcript variant (2).
Genome position (GRCh38, 1-based): chr5:112,840,210, C>T. VCF-style: chr5-112840210-C-T. GRCh37 (hg19) VCF-style: chr5-112175907-C-T.
Other names: c.4616C>T, p.Ser1539Leu (NM_001127510.3, NM_001354895.2, NM_001407450.1); c.4562C>T, p.Ser1521Leu (NM_001127511.3); c.4670C>T, p.Ser1557Leu (NM_001354896.2, NM_001407447.1, NM_001407448.1 and 1 more transcripts); c.4646C>T, p.Ser1549Leu (NM_001354897.2); c.4541C>T, p.Ser1514Leu (NM_001354898.2); c.4532C>T, p.Ser1511Leu (NM_001354899.2); c.4493C>T, p.Ser1498Leu (NM_001354900.2); c.4439C>T, p.Ser1480Leu (NM_001354901.2, NM_001407453.1); and 11 more; short protein forms S1155L, S1379L, S1448L, S1456L, S1529L, S1557L, S1256L, S1549L.
Identifiers: ClinVar variation 2736860 (VCV002736860.3), dbSNP rs1554086008, ClinGen allele CA16031446.
Genomic context (GRCh38, chr5:112,840,210, plus strand): 5'-ATGTGGAATTAAGAATAATGCCTCCAGTTCAGGAAAATGACAATGGGAATGAAACAGAAT[C>T]AGAGCAGCCTAAAGAATCAAATGAAAACCAAGAGAAAGAGGCAGAAAAAACTATTGATTC-3'
Protein context (NP_000029.2, residues 1529-1549): QENDNGNETE[Ser1539Leu]EQPKESNENQ

ClinVar aggregate classification (germline): Uncertain significance (1 of 4 stars; one submission).

Conditions:
Familial adenomatous polyposis 1 (FAP1). Also called: POLYPOSIS, ADENOMATOUS INTESTINAL; FAMILIAL ADENOMATOUS POLYPOSIS 1, ATTENUATED. Identifiers: MedGen C2713442, MONDO:0021056, OMIM 175100. Disease mechanism: loss of function.

Submission:

Labcorp Genetics (formerly Invitae), Labcorp
Classification: Uncertain significance for Familial adenomatous polyposis 1. Last evaluated: 2023-07-07. Review status: criteria provided, single submitter. Criteria: Invitae Variant Classification Sherloc (09022015). Collection method: clinical testing. Allele origin: germline.
Comment: This sequence change replaces serine, which is neutral and polar, with leucine, which is neutral and non-polar, at codon 1539 of the APC protein (p.Ser1539Leu). This variant is not present in population databases (gnomAD no frequency). This variant has not been reported in the literature in individuals affected with APC-related conditions. Advanced modeling of protein sequence and biophysical properties (such as structural, functional, and spatial information, amino acid conservation, physicochemical variation, residue mobility, and thermodynamic stability) performed at Invitae indicates that this missense variant is not expected to disrupt APC protein function. In summary, the available evidence is currently insufficient to determine the role of this variant in disease. Therefore, it has been classified as a Variant of Uncertain Significance.